The following is an entry in ClinVar:

ClinVar aggregate classification (germline): Uncertain significance. Review status: criteria provided, multiple submitters, no conflicts (2 of 4 stars). 2 submissions from 2 submitters: Uncertain significance (2). Last evaluated 2024-10-10.

Conditions:
Juvenile myelomonocytic leukemia (JMML). Also called: LEUKEMIA, JUVENILE MYELOMONOCYTIC, SOMATIC. Identifiers: Orphanet 86834, MedGen C0349639, MONDO:0011908, OMIM 607785, HP:0012209.
Neurofibromatosis, type 1 (NF1). Also called: VON RECKLINGHAUSEN DISEASE; Neurofibromatosis, type I; NEUROFIBROMATOSIS, TYPE I, SOMATIC; Peripheral type neurofibromatosis. Identifiers: Orphanet 636, MedGen C0027831, MONDO:0018975, OMIM 162200. Disease mechanism: loss of function.

gnomAD v4.1: 1 of 1,612,412 alleles (0.000062%); highest among the groups gnomAD compares: African/African-American, 0.0013%; no homozygotes.

Submissions (2):

Labcorp Genetics (formerly Invitae), Labcorp
Classification: Uncertain significance for Neurofibromatosis, type 1. Last evaluated: 2024-10-10. Review status: criteria provided, single submitter. Criteria: Invitae Variant Classification Sherloc (09022015). Collection method: clinical testing. Allele origin: germline.
Comment: This sequence change replaces histidine, which is basic and polar, with glutamine, which is neutral and polar, at codon 407 of the NF1 protein (p.His407Gln). This variant is not present in population databases (gnomAD no frequency). This variant has not been reported in the literature in individuals affected with NF1-related conditions. Invitae Evidence Modeling of protein sequence and biophysical properties (such as structural, functional, and spatial information, amino acid conservation, physicochemical variation, residue mobility, and thermodynamic stability) has been performed for this missense variant. However, the output from this modeling did not meet the statistical confidence thresholds required to predict the impact of this variant on NF1 protein function. In summary, the available evidence is currently insufficient to determine the role of this variant in disease. Therefore, it has been classified as a Variant of Uncertain Significance.

Baylor Genetics
Classification: Uncertain significance for Juvenile myelomonocytic leukemia. Last evaluated: 2023-11-09. Review status: criteria provided, single submitter. Criteria: ACMG Guidelines, 2015. Collection method: clinical testing. Allele origin: unknown.

NM_001042492.3(NF1):c.1221C>G (p.His407Gln)

Gene: NF1 (neurofibromin 1; plus strand). Cytogenetic location: 17q11.2.
Variant type: single nucleotide variant.
Coding change: c.1221C>G on transcript NM_001042492.3 (MANE Select); coding-DNA position 1221, C replaced by G.
Protein change: p.His407Gln; replaces histidine 407 with glutamine.
Molecular consequence: missense variant.
Genome position (GRCh38, 1-based): chr17:31,201,446, C>G. VCF-style: chr17-31201446-C-G. GRCh37 (hg19) VCF-style: chr17-29528464-C-G.
Other names: c.1221C>G, p.His407Gln (NM_000267.4, NM_001128147.3); short protein forms H407Q.
Identifiers: ClinVar variation 3239943 (VCV003239943.3), dbSNP rs1439320467.